The following is an entry in ClinVar:

ClinVar aggregate classification (germline): Pathogenic. Review status: reviewed by expert panel (3 of 4 stars). 5 submissions from 5 submitters: Pathogenic (1). 4 of the submissions do not count toward it. Last evaluated 2019-06-18.

Conditions:
Hereditary cancer-predisposing syndrome. Also called: Hereditary Cancer Syndrome; Neoplastic Syndromes, Hereditary; Hereditary neoplastic syndrome; Tumor predisposition. Identifiers: Orphanet 140162, MedGen C0027672, MeSH D009386, MONDO:0015356.
Hereditary breast ovarian cancer syndrome. Also called: Hereditary breast and ovarian cancer syndrome (HBOC); Breast and ovarian cancer; Hereditary breast and ovarian cancer syndrome; Hereditary breast and ovarian cancer; BRCA1- and BRCA2-Associated Hereditary Breast and Ovarian Cancer; Hereditary breast and/or ovarian cancer syndrome. Identifiers: Orphanet 145, MedGen C0677776, MeSH D061325, MONDO:0003582. Disease mechanism: loss of function.
Breast-ovarian cancer, familial, susceptibility to, 1 (BROVCA1). Also called: BRCA1 Hereditary Breast and Ovarian Cancer; OVARIAN CANCER, SUSCEPTIBILITY TO. Identifiers: Orphanet 145, MedGen C2676676, MONDO:0011450, OMIM 604370. Disease mechanism: loss of function.

Submissions (5):

Evidence-based Network for the Interpretation of Germline Mutant Alleles (ENIGMA)
Classification: Pathogenic for Breast-ovarian cancer, familial, susceptibility to, 1. Last evaluated: 2019-06-18. Review status: reviewed by expert panel. Criteria: ENIGMA BRCA1/2 Classification Criteria (2017-06-29). Collection method: curation. Allele origin: germline.
Comment: IARC class based on posterior probability from multifactorial likelihood analysis, thresholds for class as per Plon et al. 2008 (PMID: 18951446). Class 5 based on posterior probability = 0.993039

Labcorp Genetics (formerly Invitae), Labcorp
Classification: Pathogenic for Hereditary breast ovarian cancer syndrome. Last evaluated: 2024-08-15. Review status: criteria provided, single submitter. Criteria: Invitae Variant Classification Sherloc (09022015). Collection method: clinical testing. Allele origin: germline. Not counted in ClinVar's aggregate classification.
Comment: This sequence change affects codon 1495 of the BRCA1 mRNA. It is a 'silent' change, meaning that it does not change the encoded amino acid sequence of the BRCA1 protein. This variant also falls at the last nucleotide of exon 13, which is part of the consensus splice site for this exon. This variant is not present in population databases (gnomAD no frequency). This variant has been observed in individual(s) with breast and ovarian cancer (PMID: 27425403, 30322717). ClinVar contains an entry for this variant (Variation ID: 245697). An algorithm developed to predict the effect of missense changes on protein structure and function (PolyPhen-2) suggests that this variant is likely to be tolerated. Variants that disrupt the consensus splice site are a relatively common cause of aberrant splicing (PMID: 17576681, 9536098). Studies have shown that this variant is associated with altered splicing resulting in multiple RNA products (PMID: 22505045, 24489791). This variant disrupts the c.4484G nucleotide in the BRCA1 gene. Other variant(s) that disrupt this nucleotide have been determined to be pathogenic (PMID: 22711857, 22762150, 23633455, 27741520). This suggests that this nucleotide is clinically significant, and that variants that disrupt this position are likely to be disease-causing. For these reasons, this variant has been classified as Pathogenic.

Color Diagnostics, LLC DBA Color Health
Classification: Pathogenic for Hereditary cancer-predisposing syndrome. Last evaluated: 2024-06-11. Review status: criteria provided, single submitter. Criteria: ACMG Guidelines, 2015. Collection method: clinical testing. Allele origin: germline. Not counted in ClinVar's aggregate classification.
Comment: This missense variant replaces arginine with threonine at codon 1495 of the BRCA1 protein and alters the conserved guanine nucleotide immediately adjacent to the intron 13 splice donor site. RNA study has shown that this variant causes the out-of-frame skipping of exon 13 and some in-frame skipping of exons 13 and 14 and does not produce full-length transcript (PMID: 24489791). This variant has been reported in at least three suspected hereditary breast and ovarian cancer families (PMID: 22762150, 27425403) and to have segregation and tumor pathology likelihood ratios for pathogenicity of 27.7342 and 9.99856, respectively (PMID: 31131967). Two similar variants at this nucleotide position, c.4484G>T and c.4484G>A, have been reported in individuals and families affected with breast and ovarian cancer (PMID: 10571952, 21120943, 24607278, 27741520, 28637432, 29339979) and shown by RNA analysis to cause out-of-frame skipping of exon 13 (PMID: 10571952, 12915465, 21120943, 22505045, 24607278, 31143303). This variant has not been identified in the general population by the Genome Aggregation Database (gnomAD). Loss of BRCA1 function is a known mechanism of disease. Based on the available evidence, this variant is classified as Pathogenic.

GeneDx
Classification: Pathogenic. Last evaluated: 2015-10-29. Review status: criteria provided, single submitter. Criteria: GeneDx Variant Classification (06012015). Collection method: clinical testing. Allele origin: germline. Affected: yes. Not counted in ClinVar's aggregate classification.
Comment: This variant is denoted BRCA1 c.4484G>C at the cDNA level, p.Arg1495Thr (R1495T) at the protein level, and results in the change of an Arginine to a Threonine (AGG>ACG). Using alternate nomenclature, this variant would be defined as BRCA1 4603G>C. This variant was observed in an mRNA in-vitro splicing assay to create two aberrant transcripts, both of which lead to deleterious protein function, one skipping exon 14 and the other skipping exons 14-15 (Whiley 2014). BRCA1 Arg1495Thr was not observed in approximately 6,500 individuals of European and African American ancestry in the NHLBI Exome Sequencing Project, indicating it is not a common benign variant in these populations. Since Arginine and Threonine differ in some properties, this is considered a semi-conservative amino acid substitution. BRCA1 Arg1495Thr occurs at a position that is not conserved and is located within the SCD domain, the DNA binding domain and within a region known to interact with multiple other proteins (Narod 2004, Paul 2014). In silico analyses predict that this variant is probably damaging to protein structure and function. Based on the currently available information, we consider BRCA1 Arg1495Thr to be a pathogenic variant.

Consortium of Investigators of Modifiers of BRCA1/2 (CIMBA), c/o University of Cambridge
Classification: Pathogenic for Breast-ovarian cancer, familial, susceptibility to, 1. Last evaluated: 2015-10-02. Review status: criteria provided, single submitter. Criteria: CIMBA Mutation Classification guidelines May 2016. Collection method: clinical testing. Allele origin: germline. Not counted in ClinVar's aggregate classification.

Literature cited by the submitters: PubMed 31131967 (cited by Evidence-based Network for the Interpretation of Germline Mutant Alleles (ENIGMA) and Color Diagnostics, LLC DBA Color Health); PubMed 27425403 (cited by Labcorp Genetics (formerly Invitae), Labcorp and Color Diagnostics, LLC DBA Color Health); PubMed 30322717 (cited by Labcorp Genetics (formerly Invitae), Labcorp); PubMed 17576681 (cited by Labcorp Genetics (formerly Invitae), Labcorp); PubMed 9536098 (cited by Labcorp Genetics (formerly Invitae), Labcorp); PubMed 22505045 (cited by Labcorp Genetics (formerly Invitae), Labcorp and Color Diagnostics, LLC DBA Color Health); PubMed 24489791 (cited by Labcorp Genetics (formerly Invitae), Labcorp and Color Diagnostics, LLC DBA Color Health); PubMed 22711857 (cited by Labcorp Genetics (formerly Invitae), Labcorp); PubMed 22762150 (cited by Labcorp Genetics (formerly Invitae), Labcorp and Color Diagnostics, LLC DBA Color Health); PubMed 23633455 (cited by Labcorp Genetics (formerly Invitae), Labcorp); PubMed 27741520 (cited by Labcorp Genetics (formerly Invitae), Labcorp and Color Diagnostics, LLC DBA Color Health); PubMed 10571952 (cited by Color Diagnostics, LLC DBA Color Health); PubMed 12915465 (cited by Color Diagnostics, LLC DBA Color Health); PubMed 21120943 (cited by Color Diagnostics, LLC DBA Color Health); PubMed 24607278 (cited by Color Diagnostics, LLC DBA Color Health); PubMed 28637432 (cited by Color Diagnostics, LLC DBA Color Health); PubMed 29339979 (cited by Color Diagnostics, LLC DBA Color Health); PubMed 31143303 (cited by Color Diagnostics, LLC DBA Color Health).

NM_007294.4(BRCA1):c.4484G>C (p.Arg1495Thr)

Gene: BRCA1 (BRCA1 DNA repair associated; minus strand). Cytogenetic location: 17q21.31.
Variant type: single nucleotide variant.
Coding change: c.4484G>C on transcript NM_007294.4 (MANE Select); coding-DNA position 4484, G replaced by C.
Protein change: p.Arg1495Thr; replaces arginine 1495 with threonine.
Molecular consequence: missense variant. On other transcripts: non-coding transcript variant (1).
Genome position (GRCh38, 1-based): chr17:43,076,488, C>G on the plus strand (G>C on the coding strand, the complement: BRCA1 is on the minus strand). VCF-style: chr17-43076488-C-G. GRCh37 (hg19) VCF-style: chr17-41228505-C-G.
Other names: c.4271G>C, p.Arg1424Thr (NM_001407571.1, NM_001407906.1, NM_001407907.1 and 12 more transcripts); c.4550G>C, p.Arg1517Thr (NM_001407581.1, NM_001407582.1); c.4547G>C, p.Arg1516Thr (NM_001407583.1, NM_001407585.1, NM_001407587.1 and 1 more transcripts); c.4544G>C, p.Arg1515Thr (NM_001407590.1, NM_001407591.1); c.4484G>C, p.Arg1495Thr (NM_001407593.1, NM_001407684.1, NM_001407594.1 and 8 more transcripts); c.4481G>C, p.Arg1494Thr (NM_001407613.1, NM_001407614.1, NM_001407615.1 and 17 more transcripts); c.4478G>C, p.Arg1493Thr (NM_001407632.1, NM_001407633.1, NM_001407634.1 and 14 more transcripts); c.4406G>C, p.Arg1469Thr (NM_001407654.1, NM_001407655.1, NM_001407653.1); and 68 more; short protein forms R1495T, R391T, R1516T, R1448T, R1199T, R1326T, R1367T, R1423T.
Identifiers: ClinVar variation 245697 (VCV000245697.19), dbSNP rs80357389, ClinGen allele CA10584554.